The following is an entry in ClinVar:

ClinVar aggregate classification (germline): Pathogenic (1 of 4 stars; one submission).

Conditions:
Cystic fibrosis (CF). Also called: MUCOVISCIDOSIS. Identifiers: Orphanet 586, MedGen C0010674, MONDO:0009061, OMIM 219700. Disease mechanism: loss of function.

Submission:

Women's Health and Genetics/Laboratory Corporation of America, LabCorp
Classification: Pathogenic for Cystic fibrosis. Last evaluated: 2023-07-20. Review status: criteria provided, single submitter. Criteria: LabCorp Variant Classification Summary - May 2015. Collection method: clinical testing. Allele origin: germline.
Comment: Variant summary: The variant identified by MLPA or other technology involves the deletion of exons 12-21 in the CFTR gene. A presumed nomenclature of c.(1584+1_1585-1)_(3468+1_3469-1)del has been designated for the purposes of this classification. Although exact breakpoints of this deletion are not known, it is expected to result in a large in-frame deletion in the CFTR gene, a known mechanism of disease. The variant was absent in 21694 control chromosomes (gnomAD, structural variants dataset). To our knowledge, no occurrence of c.(1584+1_1585-1)_(3468+1_3469-1)del in individuals affected with Cystic Fibrosis and no experimental evidence demonstrating its impact on protein function have been reported. However, the deletion of exons 19-21, another in-frame deletion that is included within the deleted region of this variant, has been observed in individuals affected with Cystic Fibrosis (HGMD database) and has been classified as pathogenic, suggesting the deletion of exons 12-21 is also disease-causing. One submitter has provided a clinical-significance assessment for this variant to ClinVar after 2014 and has classified the variant as pathogenic. Based on the evidence outlined above, the variant was classified as pathogenic.

NC_000007.13:g.(117199710_117227792)_(117254768_117267575)del

Gene: CFTR (CF transmembrane conductance regulator; plus strand). Cytogenetic location: 7q31.2.
Variant type: Deletion.
Identifiers: ClinVar variation 2577306 (VCV002577306.1).